The following is an entry in ClinVar:

NM_001378454.1(ALMS1):c.242A>G (p.Gln81Arg)

Gene: ALMS1 (ALMS1 centrosome and basal body associated protein; plus strand). Cytogenetic location: 2p13.1.
Variant type: single nucleotide variant.
Coding change: c.242A>G on transcript NM_001378454.1 (MANE Select); coding-DNA position 242, A replaced by G.
Protein change: p.Gln81Arg; replaces glutamine 81 with arginine.
Molecular consequence: missense variant.
Genome position (GRCh38, 1-based): chr2:73,386,110, A>G. VCF-style: chr2-73386110-A-G. GRCh37 (hg19) VCF-style: chr2-73613238-A-G.
Other names: c.245A>G, p.Gln82Arg (NM_015120.4); short protein forms Q81R, Q82R.
Identifiers: ClinVar variation 3610760 (VCV003610760.1).
Genomic context (GRCh38, chr2:73,386,110, plus strand): 5'-GGCCCCAGCATCTGGAAAGTATAGACGACGAGGAGGACGAGGAGGCCAAGGCCTGGCTGC[A>G]GGCGCACCCCGGCAGGATTTTGCCTCCGCTGTCGCCCCCGCAGCACCGCTACTCGGAGGG-3'
Protein context (NP_001365383.1, residues 71-91): EEDEEAKAWL[Gln81Arg]AHPGRILPPL

ClinVar aggregate classification (germline): Uncertain significance (1 of 4 stars; one submission).

Conditions:
Alstrom syndrome (ALMS). Identifiers: Orphanet 64, MedGen C0268425, MONDO:0008763, OMIM 203800.

gnomAD v4.1: 17 of 1,588,340 alleles (0.0011%); highest among the groups gnomAD compares: Non-Finnish European, 0.0015%; no homozygotes.

Submission:

Labcorp Genetics (formerly Invitae), Labcorp
Classification: Uncertain significance for Alstrom syndrome. Last evaluated: 2024-08-24. Review status: criteria provided, single submitter. Criteria: Invitae Variant Classification Sherloc (09022015). Collection method: clinical testing. Allele origin: germline.
Comment: This sequence change replaces glutamine, which is neutral and polar, with arginine, which is basic and polar, at codon 82 of the ALMS1 protein (p.Gln82Arg). The frequency data for this variant in the population databases is considered unreliable, as metrics indicate poor data quality at this position in the gnomAD database. This variant has not been reported in the literature in individuals affected with ALMS1-related conditions. Experimental studies and prediction algorithms are not available or were not evaluated, and the functional significance of this variant is currently unknown. In summary, the available evidence is currently insufficient to determine the role of this variant in disease. Therefore, it has been classified as a Variant of Uncertain Significance.